The following is an entry in ClinVar:

ClinVar aggregate classification (germline): Benign/Likely benign. Review status: criteria provided, multiple submitters, no conflicts (2 of 4 stars). 7 submissions from 7 submitters: Benign (4); Likely benign (2). 1 of the submissions does not count toward it. Last evaluated 2026-09-01.

Conditions:
ANKRD11-related disorder. Also called: ANKRD11-related condition.
Inborn genetic diseases. Identifiers: MedGen C0950123, MeSH D030342.
KBG syndrome (KBGS). Also called: ANKRD11-Related KBG Syndrome. Identifiers: Orphanet 2332, MedGen C0220687, MONDO:0007846, OMIM 148050.

Allele frequency attached by ClinVar (database versions not stated): gnomAD exomes 0.00005 and 0.00017; ExAC 0.00025; 1000 Genomes Project 0.00040; 1000 Genomes Project 30x 0.00047; ESP Exome Variant Server 0.00069; gnomAD 0.00076; TOPMed 0.00103.
gnomAD v4.1: 212 of 1,614,140 alleles (0.013%); highest among the groups gnomAD compares: African/African-American, 0.26%; 1 homozygote.

Submissions (7):

CeGaT Center for Human Genetics Tuebingen
Classification: Likely benign. Last evaluated: 2026-09-01. Review status: criteria provided, single submitter. Criteria: CeGaT Center For Human Genetics Tuebingen Variant Classification Criteria Version 2. Collection method: clinical testing. Allele origin: germline. Affected: yes. Observed: 3 variant alleles.
Comment: ANKRD11: BP4, BP7, BS1

Labcorp Genetics (formerly Invitae), Labcorp
Classification: Benign for KBG syndrome. Last evaluated: 2025-12-23. Review status: criteria provided, single submitter. Criteria: Invitae Variant Classification Sherloc (09022015). Collection method: clinical testing. Allele origin: germline.

Blueprint Genetics
Classification: Likely benign. Last evaluated: 2024-11-25. Review status: criteria provided, single submitter. Criteria: ACMG Guidelines, 2015. Collection method: clinical testing. Allele origin: germline.

Genome-Nilou Lab
Classification: Benign for KBG syndrome. Last evaluated: 2021-12-05. Review status: criteria provided, single submitter. Criteria: ACMG Guidelines, 2015. Collection method: clinical testing. Allele origin: germline. Affected: no.

GeneDx
Classification: Benign. Last evaluated: 2020-09-28. Review status: criteria provided, single submitter. Criteria: GeneDx Variant Classification Process June 2021. Collection method: clinical testing. Allele origin: germline. Affected: yes.

Ambry Genetics
Classification: Benign for Inborn genetic diseases. Last evaluated: 2019-07-31. Review status: criteria provided, single submitter. Criteria: Ambry Variant Classification Scheme 2023. Collection method: clinical testing. Allele origin: germline.

PreventionGenetics, part of Exact Sciences
Classification: Likely benign for ANKRD11-related condition. Last evaluated: 2023-12-21. Review status: no assertion criteria provided. Collection method: clinical testing. Allele origin: germline. Not counted in ClinVar's aggregate classification.
Comment: This variant is classified as likely benign based on ACMG/AMP sequence variant interpretation guidelines (Richards et al. 2015 PMID: 25741868, with internal and published modifications).

NM_013275.6(ANKRD11):c.4884C>T (p.Asp1628=)

Gene: ANKRD11 (ankyrin repeat domain 11; minus strand). Cytogenetic location: 16q24.3.
Variant type: single nucleotide variant.
Coding change: c.4884C>T on transcript NM_013275.6 (MANE Select); coding-DNA position 4884, C replaced by T.
Protein change: p.Asp1628=; no amino-acid change (aspartic acid 1628 retained).
Molecular consequence: synonymous variant.
Genome position (GRCh38, 1-based): chr16:89,281,658, G>A on the plus strand (C>T on the coding strand, the complement: ANKRD11 is on the minus strand). VCF-style: chr16-89281658-G-A. GRCh37 (hg19) VCF-style: chr16-89348066-G-A.
Other names: c.4884C>T, p.Asp1628= (NM_001256182.2, NM_001256183.2); c.4884C>T (NM_013275.4).
Identifiers: ClinVar variation 774107 (VCV000774107.39), dbSNP rs144721281, ClinGen allele CA8242021.